The following is an entry in ClinVar:

NM_000046.5(ARSB):c.1336G>A (p.Gly446Ser)

Gene: ARSB (arylsulfatase B; minus strand). Cytogenetic location: 5q14.1.
Variant type: single nucleotide variant.
Coding change: c.1336G>A on transcript NM_000046.5 (MANE Select); coding-DNA position 1336, G replaced by A.
Protein change: p.Gly446Ser; replaces glycine 446 with serine.
Molecular consequence: missense variant.
Genome position (GRCh38, 1-based): chr5:78,781,852, C>T on the plus strand (G>A on the coding strand, the complement: ARSB is on the minus strand). VCF-style: chr5-78781852-C-T. GRCh37 (hg19) VCF-style: chr5-78077675-C-T.
Other names: short protein forms G446S.
Identifiers: ClinVar variation 559703 (VCV000559703.1), dbSNP rs1554069772, ClinGen allele CA360339345.

ClinVar aggregate classification (germline): Uncertain significance (1 of 4 stars; one submission).

Conditions:
Mucopolysaccharidosis type 6 (MPS6). Also called: N-ACETYLGALACTOSAMINE-4-SULFATASE DEFICIENCY; MPS VI; MPS 6; Maroteaux Lamy syndrome; ARSB DEFICIENCY; ARYLSULFATASE B DEFICIENCY. Identifiers: Orphanet 583, MedGen C0026709, MONDO:0009661, OMIM 253200.

Submission:

Laboratory of Diagnosis and Therapy of Lysosomal Disorders, University of Padova
Classification: Uncertain significance for Mucopolysaccharidosis type 6. Last evaluated: 2018-01-01. Review status: criteria provided, single submitter. Criteria: ACMG Guidelines, 2015. Collection method: curation. Allele origin: germline. Affected: yes.
Comment: Absent from GnomAD (PM2); Multiple lines of computational evidence support a deleterious effect on the gene product (PP3)

Literature cited by the submitters: PubMed 21791831; PubMed 26909334; PubMed 30118150.